The following is an entry in ClinVar:

ClinVar aggregate classification (germline): Uncertain significance (1 of 4 stars; one submission).

Allele frequency attached by ClinVar (database versions not stated): gnomAD exomes below 0.00001.

Submission:

Labcorp Genetics (formerly Invitae), Labcorp
Classification: Uncertain significance. Last evaluated: 2022-10-18. Review status: criteria provided, single submitter. Criteria: Invitae Variant Classification Sherloc (09022015). Collection method: clinical testing. Allele origin: germline.
Comment: This sequence change replaces threonine, which is neutral and polar, with isoleucine, which is neutral and non-polar, at codon 338 of the CLUAP1 protein (p.Thr338Ile). This variant is not present in population databases (gnomAD no frequency). This variant has not been reported in the literature in individuals affected with CLUAP1-related conditions. ClinVar contains an entry for this variant (Variation ID: 934920). Advanced modeling of protein sequence and biophysical properties (such as structural, functional, and spatial information, amino acid conservation, physicochemical variation, residue mobility, and thermodynamic stability) performed at Invitae indicates that this missense variant is not expected to disrupt CLUAP1 protein function. In summary, the available evidence is currently insufficient to determine the role of this variant in disease. Therefore, it has been classified as a Variant of Uncertain Significance.

NM_015041.3(CLUAP1):c.1013C>T (p.Thr338Ile)

Gene: CLUAP1 (clusterin associated protein 1; plus strand). Cytogenetic location: 16p13.3.
Variant type: single nucleotide variant.
Coding change: c.1013C>T on transcript NM_015041.3 (MANE Select); coding-DNA position 1013, C replaced by T.
Protein change: p.Thr338Ile; replaces threonine 338 with isoleucine.
Molecular consequence: missense variant.
Genome position (GRCh38, 1-based): chr16:3,530,652, C>T. VCF-style: chr16-3530652-C-T. GRCh37 (hg19) VCF-style: chr16-3580652-C-T.
Other names: c.1013C>T, p.Thr338Ile (NM_001330454.2); c.515C>T, p.Thr172Ile (NM_024793.3); short protein forms T172I, T338I.
Identifiers: ClinVar variation 934920 (VCV000934920.9), dbSNP rs2038096568, ClinGen allele CA394515672.
Genomic context (GRCh38, chr16:3,530,652, plus strand): 5'-TCCAGGAGGACGATGAATCCGACAGTGAGTTGGAAGAAAGGCGGCTGCCCAAGCCACAGA[C>T]AGCCATGGAGATGCTCATGCAAGGTACCCCGGCGTCTTTCGCTGGACTTCCTCCCTGCGC-3'
Protein context (NP_055856.1, residues 328-348): LEERRLPKPQ[Thr338Ile]AMEMLMQGRP